The following is an entry in ClinVar:

ClinVar aggregate classification (germline): Uncertain significance (1 of 4 stars; one submission).

Conditions:
Heterotaxy, visceral, 5, autosomal (HTX5). Also called: Heterotaxy, visceral, 5. Identifiers: Orphanet 450, MedGen C3495537, MONDO:0700112, OMIM 270100.

Submission:

Juno Genomics, Hangzhou Juno Genomics, Inc
Classification: Uncertain significance for Heterotaxy, visceral, 5, autosomal. Review status: criteria provided, single submitter. Criteria: ACMG Guidelines, 2015. Collection method: clinical testing. Allele origin: germline.
Comment: Absent from controls (or at extremely low frequency if recessive) in Genome Aggregation Database.;Null variant in a gene where loss of function (LOF) is a known mechanism of disease.

NM_018055.5(NODAL):c.687G>A (p.Trp229Ter)

Gene: NODAL (nodal growth differentiation factor; minus strand). Cytogenetic location: 10q22.1.
Variant type: single nucleotide variant.
Coding change: c.687G>A on transcript NM_018055.5 (MANE Select); coding-DNA position 687, G replaced by A.
Protein change: p.Trp229Ter; replaces tryptophan 229 with a stop codon.
Molecular consequence: nonsense.
Genome position (GRCh38, 1-based): chr10:70,435,490, C>T on the plus strand (G>A on the coding strand, the complement: NODAL is on the minus strand). VCF-style: chr10-70435490-C-T. GRCh37 (hg19) VCF-style: chr10-72195246-C-T.
Other names: c.288G>A, p.Trp96Ter (NM_001329906.2); short protein forms W229*, W96*.
Identifiers: ClinVar variation 5018718 (VCV005018718.2).